The following is an entry in ClinVar:

ClinVar aggregate classification (germline): Uncertain significance. Review status: criteria provided, multiple submitters, no conflicts (2 of 4 stars). 4 submissions from 4 submitters: Uncertain significance (3). 1 of the submissions does not count toward it. Last evaluated 2025-08-13.

Conditions:
Inborn genetic diseases. Identifiers: MedGen C0950123, MeSH D030342.
Autosomal recessive nonsyndromic hearing loss 77. Identifiers: Orphanet 90636, MedGen C2746083, MONDO:0013119, OMIM 613079.

Allele frequency attached by ClinVar (database versions not stated): gnomAD 0.00003 and 0.00004; gnomAD exomes 0.00003 and 0.00002; TOPMed 0.00002; ExAC 0.00005; ESP Exome Variant Server 0.00022.
gnomAD v4.1: 27 of 1,549,048 alleles (0.0017%); highest among the groups gnomAD compares: Admixed American, 0.0079%; no homozygotes.

Submissions (4):

Ambry Genetics
Classification: Uncertain significance for Inborn genetic diseases. Last evaluated: 2025-08-13. Review status: criteria provided, single submitter. Criteria: Ambry Variant Classification Scheme 2023. Collection method: clinical testing. Allele origin: germline.

Illumina Laboratory Services, Illumina
Classification: Uncertain significance for Autosomal recessive nonsyndromic hearing loss 77. Last evaluated: 2018-01-12. Review status: criteria provided, single submitter. Criteria: ICSL Variant Classification Criteria 13 December 2019. Collection method: clinical testing. Allele origin: germline.

Laboratory for Molecular Medicine, Mass General Brigham Personalized Medicine
Classification: Uncertain significance. Last evaluated: 2016-06-30. Review status: criteria provided, single submitter. Criteria: LMM Criteria. Collection method: clinical testing. Allele origin: germline. Observed: 1 variant allele.
Comment: The p.Thr2004Met variant in LOXHD1 has not been previously reported in individua ls with hearing loss, but has been identified in 1/2194 African chromosomes by t he Exome Aggregation Consortium (ExAC; dbSNP rs3 68303635). Although this variant has been seen in the general population, its fr equency is not high enough to rule out a pathogenic role. Computational predicti on tools and conservation analyses do not provide strong support for or against an impact to the protein. In summary, the clinical significance of the p.Thr2004 Met variant is uncertain.

Natera, Inc.
Classification: Uncertain significance for Autosomal recessive deafness type 77. Last evaluated: 2019-10-28. Review status: no assertion criteria provided. Collection method: clinical testing. Allele origin: germline. Not counted in ClinVar's aggregate classification.

NM_001384474.1(LOXHD1):c.6197C>T (p.Thr2066Met)

Gene: LOXHD1 (lipoxygenase homology PLAT domains 1; minus strand). Cytogenetic location: 18q21.1.
Variant type: single nucleotide variant.
Coding change: c.6197C>T on transcript NM_001384474.1 (MANE Select); coding-DNA position 6197, C replaced by T.
Protein change: p.Thr2066Met; replaces threonine 2066 with methionine.
Molecular consequence: missense variant.
Genome position (GRCh38, 1-based): chr18:46,483,731, G>A on the plus strand (C>T on the coding strand, the complement: LOXHD1 is on the minus strand). VCF-style: chr18-46483731-G-A. GRCh37 (hg19) VCF-style: chr18-44063694-G-A.
Other names: c.2864C>T, p.Thr955Met (NM_001145472.3); c.914C>T, p.Thr305Met (NM_001145473.3, NM_001173129.2); c.2576C>T, p.Thr859Met (NM_001308013.2); c.6011C>T, p.Thr2004Met (NM_144612.7); short protein forms T2004M, T955M, T305M, T859M, T2066M.
Identifiers: ClinVar variation 504609 (VCV000504609.11), dbSNP rs368303635, ClinGen allele CA8952067.